The following is an entry in ClinVar:

ClinVar aggregate classification (germline): Uncertain significance (1 of 4 stars; one submission).

Allele frequency attached by ClinVar (database versions not stated): TOPMed below 0.00001.

Submission:

Labcorp Genetics (formerly Invitae), Labcorp
Classification: Uncertain significance. Last evaluated: 2025-07-14. Review status: criteria provided, single submitter. Criteria: Invitae Variant Classification Sherloc (09022015). Collection method: clinical testing. Allele origin: germline.
Comment: This sequence change replaces leucine, which is neutral and non-polar, with proline, which is neutral and non-polar, at codon 2666 of the SZT2 protein (p.Leu2666Pro). This variant is not present in population databases (gnomAD no frequency). This variant has not been reported in the literature in individuals affected with SZT2-related conditions. ClinVar contains an entry for this variant (Variation ID: 964005). Invitae Evidence Modeling of protein sequence and biophysical properties (such as structural, functional, and spatial information, amino acid conservation, physicochemical variation, residue mobility, and thermodynamic stability) has been performed for this missense variant. However, the output from this modeling did not meet the statistical confidence thresholds required to predict the impact of this variant on SZT2 protein function. In summary, the available evidence is currently insufficient to determine the role of this variant in disease. Therefore, it has been classified as a Variant of Uncertain Significance.

NM_001365999.1(SZT2):c.8168T>C (p.Leu2723Pro)

Gene: SZT2 (SZT2 subunit of KICSTOR complex; plus strand). Cytogenetic location: 1p34.2.
Variant type: single nucleotide variant.
Coding change: c.8168T>C on transcript NM_001365999.1 (MANE Select); coding-DNA position 8168, T replaced by C.
Protein change: p.Leu2723Pro; replaces leucine 2723 with proline.
Molecular consequence: missense variant.
Genome position (GRCh38, 1-based): chr1:43,442,835, T>C. VCF-style: chr1-43442835-T-C. GRCh37 (hg19) VCF-style: chr1-43908506-T-C.
Other names: c.7997T>C, p.Leu2666Pro (NM_015284.4); short protein forms L2723P, L2666P.
Identifiers: ClinVar variation 964005 (VCV000964005.9), dbSNP rs1655220230, ClinGen allele CA340037978.